The following is an entry in ClinVar:

ClinVar aggregate classification (germline): Likely benign. Review status: criteria provided, multiple submitters, no conflicts (2 of 4 stars). 2 submissions from 2 submitters: Likely benign (2). Last evaluated 2025-12-02.

Conditions:
Cardiovascular phenotype. Identifiers: MedGen CN230736.

gnomAD v4.1: 11 of 1,612,918 alleles (0.00068%); highest among the groups gnomAD compares: Non-Finnish European, 0.00093%; no homozygotes.

Submissions (2):

Women's Health and Genetics/Laboratory Corporation of America, LabCorp
Classification: Likely benign. Last evaluated: 2025-12-02. Review status: criteria provided, single submitter. Criteria: LabCorp Variant Classification Summary - May 2015. Collection method: clinical testing. Allele origin: germline.
Comment: Variant summary: TNXB c.6327C>T alters a conserved nucleotide resulting in a synonymous change. Consensus agreement among computation tools predict no significant impact on normal splicing. However, these predictions have yet to be confirmed by functional studies. The variant allele was found at a frequency of 8.1e-06 in 246576 control chromosomes. The available data on variant occurrences in the general population are insufficient to allow any conclusion about variant significance. To our knowledge, no occurrence of c.6327C>T in individuals affected with TNXB-related conditions and no experimental evidence demonstrating its impact on protein function have been reported. ClinVar contains an entry for this variant (Variation ID: 3972017). Based on the evidence outlined above, the variant was classified as likely benign.

Ambry Genetics
Classification: Likely benign for Cardiovascular phenotype. Last evaluated: 2025-05-03. Review status: criteria provided, single submitter. Criteria: Ambry Variant Classification Scheme 2023. Collection method: clinical testing. Allele origin: germline.

NM_001365276.2(TNXB):c.6327C>T (p.Asp2109=)

Gene: TNXB (tenascin XB; minus strand). Cytogenetic location: 6p21.33.
Variant type: single nucleotide variant.
Coding change: c.6327C>T on transcript NM_001365276.2 (MANE Select); coding-DNA position 6327, C replaced by T.
Protein change: p.Asp2109=; no amino-acid change (aspartic acid 2109 retained).
Molecular consequence: synonymous variant.
Genome position (GRCh38, 1-based): chr6:32,067,878, G>A on the plus strand (C>T on the coding strand, the complement: TNXB is on the minus strand). VCF-style: chr6-32067878-G-A. GRCh37 (hg19) VCF-style: chr6-32035655-G-A.
Other names: c.7068C>T, p.Asp2356= (NM_001428335.1); c.6327C>T, p.Asp2109= (NM_019105.8).
Identifiers: ClinVar variation 3972017 (VCV003972017.2).